The following is an entry in ClinVar:

NM_018418.5(SPATA7):c.254G>A (p.Arg85Gln)

Gene: SPATA7 (spermatogenesis associated 7; plus strand). Cytogenetic location: 14q31.3.
Variant type: single nucleotide variant.
Coding change: c.254G>A on transcript NM_018418.5 (MANE Select); coding-DNA position 254, G replaced by A.
Protein change: p.Arg85Gln; replaces arginine 85 with glutamine.
Molecular consequence: missense variant.
Genome position (GRCh38, 1-based): chr14:88,416,726, G>A. VCF-style: chr14-88416726-G-A. GRCh37 (hg19) VCF-style: chr14-88883070-G-A.
Other names: c.158G>A, p.Arg53Gln (NM_001040428.4); short protein forms R53Q, R85Q.
Identifiers: ClinVar variation 849891 (VCV000849891.11), dbSNP rs199825301, ClinGen allele CA7298477.

ClinVar aggregate classification (germline): Uncertain significance. Review status: criteria provided, multiple submitters, no conflicts (2 of 4 stars). 4 submissions from 4 submitters: Uncertain significance (4). Last evaluated 2025-08-26.

Conditions:
Retinal dystrophy. Also called: Inherited retinal dystrophy. Identifiers: Orphanet 71862, MedGen C0854723, MeSH D058499, MONDO:0019118, HP:0000556.
Leber congenital amaurosis 3 (LCA3). Also called: SPATA7-Related Retinitis Pigmentosa. Identifiers: MedGen C1858677, MONDO:0011415, OMIM 604232.
Inborn genetic diseases. Identifiers: MedGen C0950123, MeSH D030342.

Allele frequency attached by ClinVar (database versions not stated): gnomAD 0.00002 and 0.00003; gnomAD exomes 0.00003 and 0.00004; ExAC 0.00004; TOPMed 0.00007; ESP Exome Variant Server 0.00008.
gnomAD v4.1: 45 of 1,613,118 alleles (0.0028%); highest among the groups gnomAD compares: Middle Eastern, 0.083%; no homozygotes.

Submissions (4):

Ambry Genetics
Classification: Uncertain significance for Inborn genetic diseases. Last evaluated: 2025-08-26. Review status: criteria provided, single submitter. Criteria: Ambry Variant Classification Scheme 2023. Collection method: clinical testing. Allele origin: germline.

Labcorp Genetics (formerly Invitae), Labcorp
Classification: Uncertain significance for Leber congenital amaurosis 3. Last evaluated: 2024-05-01. Review status: criteria provided, single submitter. Criteria: Invitae Variant Classification Sherloc (09022015). Collection method: clinical testing. Allele origin: germline.
Comment: This sequence change replaces arginine, which is basic and polar, with glutamine, which is neutral and polar, at codon 85 of the SPATA7 protein (p.Arg85Gln). This variant is present in population databases (rs199825301, gnomAD 0.03%). This variant has not been reported in the literature in individuals affected with SPATA7-related conditions. ClinVar contains an entry for this variant (Variation ID: 849891). Advanced modeling of protein sequence and biophysical properties (such as structural, functional, and spatial information, amino acid conservation, physicochemical variation, residue mobility, and thermodynamic stability) performed at Invitae indicates that this missense variant is expected to disrupt SPATA7 protein function with a positive predictive value of 80%. In summary, the available evidence is currently insufficient to determine the role of this variant in disease. Therefore, it has been classified as a Variant of Uncertain Significance.

Blueprint Genetics
Classification: Uncertain significance. Last evaluated: 2024-03-07. Review status: criteria provided, single submitter. Criteria: ACMG Guidelines, 2015. Collection method: clinical testing. Allele origin: germline.

Dept Of Ophthalmology, Nagoya University
Classification: Uncertain significance for Retinal dystrophy. Last evaluated: 2023-10-01. Review status: criteria provided, single submitter. Criteria: Submitter's publication. Collection method: research. Allele origin: germline. Affected: yes.